The following is an entry in ClinVar:

NM_025099.6(CTC1):c.1120G>A (p.Glu374Lys)

Gene: CTC1 (CST telomere replication complex component 1; minus strand). Cytogenetic location: 17p13.1.
Variant type: single nucleotide variant.
Coding change: c.1120G>A on transcript NM_025099.6 (MANE Select); coding-DNA position 1120, G replaced by A.
Protein change: p.Glu374Lys; replaces glutamic acid 374 with lysine.
Molecular consequence: missense variant. On other transcripts: non-coding transcript variant (1).
Genome position (GRCh38, 1-based): chr17:8,235,917, C>T on the plus strand (G>A on the coding strand, the complement: CTC1 is on the minus strand). VCF-style: chr17-8235917-C-T. GRCh37 (hg19) VCF-style: chr17-8139235-C-T.
Other names: short protein forms E374K.
Identifiers: ClinVar variation 836530 (VCV000836530.9), dbSNP rs1987674659, ClinGen allele CA397987127.
Genomic context (GRCh38, chr17:8,235,917, plus strand): 5'-CCCGCCTAAGGCCACGGAACTGCTGGTAGGCAAGGCAGAGCCCCAGCTGCCCATCCAGCT[C>T]ATAGAGGCCAGCGGGCTCATTCAACACGCCAGTGACTGCTCCCTGCAAACAGGCCGAGGT-3'
Protein context (NP_079375.3, residues 364-384): GVLNEPAGLY[Glu374Lys]LDGQLGLCLA

ClinVar aggregate classification (germline): Uncertain significance (1 of 4 stars; one submission).

Conditions:
Dyskeratosis congenita. Identifiers: Orphanet 1775, MedGen C0265965, MONDO:0015780.

Submission:

Labcorp Genetics (formerly Invitae), Labcorp
Classification: Uncertain significance for Dyskeratosis congenita. Last evaluated: 2023-08-24. Review status: criteria provided, single submitter. Criteria: Invitae Variant Classification Sherloc (09022015). Collection method: clinical testing. Allele origin: germline.
Comment: Advanced modeling of protein sequence and biophysical properties (such as structural, functional, and spatial information, amino acid conservation, physicochemical variation, residue mobility, and thermodynamic stability) performed at Invitae indicates that this missense variant is expected to disrupt CTC1 protein function. This sequence change replaces glutamic acid, which is acidic and polar, with lysine, which is basic and polar, at codon 374 of the CTC1 protein (p.Glu374Lys). This variant is not present in population databases (gnomAD no frequency). This variant has not been reported in the literature in individuals affected with CTC1-related conditions. ClinVar contains an entry for this variant (Variation ID: 836530). In summary, the available evidence is currently insufficient to determine the role of this variant in disease. Therefore, it has been classified as a Variant of Uncertain Significance.